The following is an entry in ClinVar:

NM_001369268.1(ACAN):c.-8+3A>T

Gene: ACAN (aggrecan; plus strand). Cytogenetic location: 15q26.1.
Variant type: single nucleotide variant.
Coding change: c.-8+3A>T on transcript NM_001369268.1 (MANE Select); 3 bases into the intron after 8 bases upstream of the start codon, A replaced by T.
Molecular consequence: intron variant.
Genome position (GRCh38, 1-based): chr15:88,803,812, A>T. VCF-style: chr15-88803812-A-T. GRCh37 (hg19) VCF-style: chr15-89347043-A-T.
Other names: c.-8+3A>T (NM_013227.4, NM_001411097.1, NM_001411096.1 and 1 more transcripts).
Identifiers: ClinVar variation 4850905 (VCV004850905.1).
Genomic context (GRCh38, chr15:88,803,812, plus strand): 5'-CTGCCTCGCCAGGTGTGTGGGACTGAAGTTCTTGGAGAAGGGAGTCCAACTCTTCAAGGT[A>T]ACTGTCTCCTTCCCTCCAGAGCGAGGCTCTCCCAGGGCGCCCGGCGAGCCAGGAACGGGA-3'

ClinVar aggregate classification (germline): VUS-mid (1 of 4 stars; one submission).

Conditions:
Short stature and advanced bone age, with or without early-onset osteoarthritis and/or osteochondritis dissecans (SSOAOD). Identifiers: Orphanet 251262, MedGen C3665488, MONDO:0100462, OMIM 165800.

Submission:

Clinical Genetics and Genomics, Karolinska University Hospital
Classification: VUS-mid for Short stature and advanced bone age, with or without early-onset osteoarthritis and/or osteochondritis dissecans. Last evaluated: 2026-04-07. Review status: criteria provided, single submitter. Criteria: ACMG Guidelines, 2015. Collection method: clinical testing. Allele origin: inherited. Affected: yes. Observed: 2 variant alleles.
Comment: The c.-8+3A>T variant in the ACAN gene is absent or in very low frequency in gnomAD. Bioinformatic prediction does not strongly support an effect on splicing (SpliceAI 0.27) and functional RNA assessment could not be performed as no skin biopsy was obtained.